The following is an entry in ClinVar:

ClinVar aggregate classification (germline): Conflicting classifications of pathogenicity. Review status: criteria provided, conflicting classifications (1 of 4 stars). 3 submissions from 3 submitters: Uncertain significance (2); Likely benign (1). Last evaluated 2025-02-16.

Allele frequency attached by ClinVar (database versions not stated): gnomAD exomes 0.00001 and 0.00003; gnomAD 0.00010 and 0.00011.
gnomAD v4.1: 30 of 1,536,766 alleles (0.002%); highest among the groups gnomAD compares: Non-Finnish European, 0.00061%; no homozygotes.

Submissions (3):

Laboratory of Genetics, Children's Clinical University Hospital Latvia
Classification: Likely benign. Last evaluated: 2025-02-16. Review status: criteria provided, single submitter. Criteria: ACMG Guidelines, 2015. Collection method: clinical testing. Allele origin: germline. Affected: yes.

Labcorp Genetics (formerly Invitae), Labcorp
Classification: Uncertain significance. Last evaluated: 2024-10-29. Review status: criteria provided, single submitter. Criteria: Invitae Variant Classification Sherloc (09022015). Collection method: clinical testing. Allele origin: germline.
Comment: This sequence change replaces proline, which is neutral and non-polar, with leucine, which is neutral and non-polar, at codon 46 of the MAGEL2 protein (p.Pro46Leu). This variant is present in population databases (no rsID available, gnomAD 0.03%). This variant has not been reported in the literature in individuals affected with MAGEL2-related conditions. ClinVar contains an entry for this variant (Variation ID: 1675553). Experimental studies and prediction algorithms are not available or were not evaluated, and the functional significance of this variant is currently unknown. In summary, the available evidence is currently insufficient to determine the role of this variant in disease. Therefore, it has been classified as a Variant of Uncertain Significance.

CeGaT Center for Human Genetics Tuebingen
Classification: Uncertain significance. Last evaluated: 2022-02-01. Review status: criteria provided, single submitter. Criteria: CeGaT Center For Human Genetics Tuebingen Variant Classification Criteria Version 2. Collection method: clinical testing. Allele origin: germline. Affected: yes. Observed: 1 variant allele.

NM_019066.5(MAGEL2):c.137C>T (p.Pro46Leu)

Gene: MAGEL2 (MAGE family member L2; minus strand). Cytogenetic location: 15q11.2.
Variant type: single nucleotide variant.
Coding change: c.137C>T on transcript NM_019066.5 (MANE Select); coding-DNA position 137, C replaced by T.
Protein change: p.Pro46Leu; replaces proline 46 with leucine.
Molecular consequence: missense variant.
Genome position (GRCh38, 1-based): chr15:23,647,606, G>A on the plus strand (C>T on the coding strand, the complement: MAGEL2 is on the minus strand). VCF-style: chr15-23647606-G-A. GRCh37 (hg19) VCF-style: chr15-23892753-G-A.
Other names: short protein forms P46L.
Identifiers: ClinVar variation 1675553 (VCV001675553.39), dbSNP rs1433820460, ClinGen allele CA391337837.